The following is an entry in ClinVar:

ClinVar aggregate classification (germline): Likely pathogenic (1 of 4 stars; one submission).

Conditions:
Metachromatic leukodystrophy (MLD). Also called: ARSA DEFICIENCY; CEREBROSIDE SULFATASE DEFICIENCY; METACHROMATIC LEUKOENCEPHALOPATHY; SULFATIDE LIPIDOSIS; Cerebral sclerosis diffuse metachromatic form; Arylsulfatase A Deficiency. Identifiers: Orphanet 512, MedGen C0023522, MONDO:0018868, OMIM 250100.

Allele frequency attached by ClinVar (database versions not stated): gnomAD exomes below 0.00001; ExAC 0.00001.

Submissions (2):

Labcorp Genetics (formerly Invitae), Labcorp
Classification: Likely pathogenic for Metachromatic leukodystrophy. Last evaluated: 2023-04-28. Review status: criteria provided, single submitter. Criteria: Invitae Variant Classification Sherloc (09022015). Collection method: clinical testing. Allele origin: germline.
Comment: In summary, the currently available evidence indicates that the variant is pathogenic, but additional data are needed to prove that conclusively. Therefore, this variant has been classified as Likely Pathogenic. This variant disrupts the p.Trp320 (also known as p.Trp318) amino acid residue in ARSA. Other variant(s) that disrupt this residue have been determined to be pathogenic (PMID: 18768108, 27904824, 33185815). This suggests that this residue is clinically significant, and that variants that disrupt this residue are likely to be disease-causing. Advanced modeling of protein sequence and biophysical properties (such as structural, functional, and spatial information, amino acid conservation, physicochemical variation, residue mobility, and thermodynamic stability) performed at Invitae indicates that this missense variant is expected to disrupt ARSA protein function. This variant has not been reported in the literature in individuals affected with ARSA-related conditions. This variant is present in population databases (rs748753862, gnomAD 0.01%). This sequence change replaces tryptophan, which is neutral and slightly polar, with glycine, which is neutral and non-polar, at codon 320 of the ARSA protein (p.Trp320Gly).

Gelb Laboratory, University of Washington
No classification provided (evidence only). Condition: Metachromatic leukodystrophy. Review status: no classification provided. Collection method: in vitro. Allele origin: not applicable. Functional consequence: loss of function. Not counted in ClinVar's aggregate classification.

Literature cited by the submitters: PubMed 18768108 (cited by Labcorp Genetics (formerly Invitae), Labcorp); PubMed 27904824 (cited by Labcorp Genetics (formerly Invitae), Labcorp); PubMed 33185815 (cited by Labcorp Genetics (formerly Invitae), Labcorp).

NM_000487.6(ARSA):c.958T>G (p.Trp320Gly)

Gene: ARSA (arylsulfatase A; minus strand). Cytogenetic location: 22q13.33.
Variant type: single nucleotide variant.
Coding change: c.958T>G on transcript NM_000487.6 (MANE Select); coding-DNA position 958, T replaced by G.
Protein change: p.Trp320Gly; replaces tryptophan 320 with glycine.
Molecular consequence: missense variant.
Genome position (GRCh38, 1-based): chr22:50,626,175, A>C on the plus strand (T>G on the coding strand, the complement: ARSA is on the minus strand). VCF-style: chr22-50626175-A-C. GRCh37 (hg19) VCF-style: chr22-51064603-A-C.
Other names: c.958T>G, p.Trp320Gly (NM_001085425.3, NM_001085426.3, NM_001085427.3); c.700T>G, p.Trp234Gly (NM_001085428.3, NM_001362782.2); short protein forms W234G, W320G.
Identifiers: ClinVar variation 2860325 (VCV002860325.6), dbSNP rs748753862, ClinGen allele CA10324868.
Genomic context (GRCh38, chr22:50,626,175, plus strand): 5'-GTGGGGCCAGGGTTCCAAGGAGAGGGCCTGCGGACTGACCGGGAGCGATATGACCTGGCC[A>C]GAAGGCCAAGGCAGGCTCTCGGACACCGCCCTCGTAGGTCGTTCCCTTTCCACACCGCAA-3'
Protein context (NP_000478.3, residues 310-330): GGVREPALAF[Trp320Gly]PGHIAPGVTH